The following is an entry in ClinVar:

NM_004453.4(ETFDH):c.1692A>T (p.Gly564=)

Gene: ETFDH (electron transfer flavoprotein dehydrogenase; plus strand). Cytogenetic location: 4q32.1.
Variant type: single nucleotide variant.
Coding change: c.1692A>T on transcript NM_004453.4 (MANE Select); coding-DNA position 1692, A replaced by T.
Protein change: p.Gly564=; no amino-acid change (glycine 564 retained).
Molecular consequence: synonymous variant.
Genome position (GRCh38, 1-based): chr4:158,708,365, A>T. VCF-style: chr4-158708365-A-T. GRCh37 (hg19) VCF-style: chr4-159629517-A-T.
Other names: c.1692A>T (NM_004453.3); c.1551A>T, p.Gly517= (NM_001281737.2); c.1509A>T, p.Gly503= (NM_001281738.1).
Identifiers: ClinVar variation 991938 (VCV000991938.32), dbSNP rs377544087, ClinGen allele CA3122702.

ClinVar aggregate classification (germline): Likely benign. Review status: criteria provided, multiple submitters, no conflicts (2 of 4 stars). 5 submissions from 5 submitters: Likely benign (3). 2 of the submissions do not count toward it. Last evaluated 2026-01-18.

Conditions:
ETFDH-related disorder. Also called: ETFDH-related condition.
Multiple acyl-CoA dehydrogenase deficiency (MADD). Also called: Glutaric aciduria, type 2; ETHYLMALONIC-ADIPICACIDURIA; GA II; Glutaric acidemia type II; GA 2; Glutaric Acidemia type 2. Identifiers: Orphanet 26791, MedGen C0268596, MONDO:0009282, OMIM 231680.

Allele frequency attached by ClinVar (database versions not stated): ExAC 0.00003; gnomAD exomes 0.00005 and 0.00011; ESP Exome Variant Server 0.00008; TOPMed 0.00008; gnomAD 0.00009.
gnomAD v4.1: 174 of 1,608,384 alleles (0.011%); highest among the groups gnomAD compares: Non-Finnish European, 0.014%; no homozygotes.

Submissions (5):

Labcorp Genetics (formerly Invitae), Labcorp
Classification: Likely benign for Multiple acyl-CoA dehydrogenase deficiency. Last evaluated: 2026-01-18. Review status: criteria provided, single submitter. Criteria: Invitae Variant Classification Sherloc (09022015). Collection method: clinical testing. Allele origin: germline.

Blueprint Genetics
Classification: Likely benign. Last evaluated: 2024-11-26. Review status: criteria provided, single submitter. Criteria: ACMG Guidelines, 2015. Collection method: clinical testing. Allele origin: germline.

CeGaT Center for Human Genetics Tuebingen
Classification: Likely benign. Last evaluated: 2023-08-01. Review status: criteria provided, single submitter. Criteria: CeGaT Center For Human Genetics Tuebingen Variant Classification Criteria Version 2. Collection method: clinical testing. Allele origin: germline. Affected: yes. Observed: 1 variant allele.
Comment: ETFDH: PM2:Supporting, BP4, BP7

PreventionGenetics, part of Exact Sciences
Classification: Likely benign for ETFDH-related condition. Last evaluated: 2024-06-21. Review status: no assertion criteria provided. Collection method: clinical testing. Allele origin: germline. Not counted in ClinVar's aggregate classification.
Comment: This variant is classified as likely benign based on ACMG/AMP sequence variant interpretation guidelines (Richards et al. 2015 PMID: 25741868, with internal and published modifications).

Natera, Inc.
Classification: Uncertain significance for Glutaric aciduria type 2. Last evaluated: 2020-10-14. Review status: no assertion criteria provided. Collection method: clinical testing. Allele origin: germline. Not counted in ClinVar's aggregate classification.